The following is an entry in ClinVar:

NM_000214.3(JAG1):c.2923A>G (p.Thr975Ala)

Gene: JAG1 (jagged canonical Notch ligand 1; minus strand). Cytogenetic location: 20p12.2.
Variant type: single nucleotide variant.
Coding change: c.2923A>G on transcript NM_000214.3 (MANE Select); coding-DNA position 2923, A replaced by G.
Protein change: p.Thr975Ala; replaces threonine 975 with alanine.
Molecular consequence: missense variant.
Genome position (GRCh38, 1-based): chr20:10,641,238, T>C on the plus strand (A>G on the coding strand, the complement: JAG1 is on the minus strand). VCF-style: chr20-10641238-T-C. GRCh37 (hg19) VCF-style: chr20-10621886-T-C.
Other names: short protein forms T975A.
Identifiers: ClinVar variation 1715284 (VCV001715284.5), dbSNP rs1476119398, ClinGen allele CA408244664.
Genomic context (GRCh38, chr20:10,641,238, plus strand): 5'-CAGCGGAAACATTCTTCAAAATATTCAAATTCCTCAATTCACTGCAAATGTGCTCCGTAG[T>C]AAGACCCTAAAACGATTTTTAAAAACCCACACACGTGTAAGATTGAGAGGAAGAACAAAA-3'
Protein context (NP_000205.1, residues 965-985): FNKEMMSPGL[Thr975Ala]TEHICSELRN

ClinVar aggregate classification (germline): Uncertain significance (1 of 4 stars; one submission).

Conditions:
Alagille syndrome due to a JAG1 point mutation. Also called: Alagille Syndrome 1; HEPATIC DUCTULAR HYPOPLASIA, SYNDROMATIC; JAG1-Related Alagille Syndrome. Identifiers: Orphanet 261619, Orphanet 52, MedGen C1956125, MONDO:0016862, OMIM 118450.

Submission:

Labcorp Genetics (formerly Invitae), Labcorp
Classification: Uncertain significance for Alagille syndrome due to a JAG1 point mutation. Last evaluated: 2022-10-05. Review status: criteria provided, single submitter. Criteria: Invitae Variant Classification Sherloc (09022015). Collection method: clinical testing. Allele origin: germline.
Comment: In summary, the available evidence is currently insufficient to determine the role of this variant in disease. Therefore, it has been classified as a Variant of Uncertain Significance. Advanced modeling of protein sequence and biophysical properties (such as structural, functional, and spatial information, amino acid conservation, physicochemical variation, residue mobility, and thermodynamic stability) has been performed at Invitae for this missense variant, however the output from this modeling did not meet the statistical confidence thresholds required to predict the impact of this variant on JAG1 protein function. This variant has not been reported in the literature in individuals affected with JAG1-related conditions. This variant is not present in population databases (gnomAD no frequency). This sequence change replaces threonine, which is neutral and polar, with alanine, which is neutral and non-polar, at codon 975 of the JAG1 protein (p.Thr975Ala).